The following is an entry in ClinVar:

NM_000550.3(TYRP1):c.386-20T>A

Gene: TYRP1 (tyrosinase related protein 1; plus strand). Cytogenetic location: 9p23.
Variant type: single nucleotide variant.
Coding change: c.386-20T>A on transcript NM_000550.3 (MANE Select); 20 bases into the intron before coding-DNA position 386, T replaced by A.
Molecular consequence: intron variant.
Genome position (GRCh38, 1-based): chr9:12,695,495, T>A. VCF-style: chr9-12695495-T-A. GRCh37 (hg19) VCF-style: chr9-12695495-T-A.
Identifiers: ClinVar variation 1929968 (VCV001929968.2), dbSNP rs377110547, ClinGen allele CA4985214.

ClinVar aggregate classification (germline): Uncertain significance (1 of 4 stars; one submission).

Allele frequency attached by ClinVar (database versions not stated): ExAC 0.00004; ESP Exome Variant Server 0.00008.

Submission:

Labcorp Genetics (formerly Invitae), Labcorp
Classification: Uncertain significance. Last evaluated: 2022-07-09. Review status: criteria provided, single submitter. Criteria: Invitae Variant Classification Sherloc (09022015). Collection method: clinical testing. Allele origin: germline.
Comment: This sequence change falls in intron 2 of the TYRP1 gene. It does not directly change the encoded amino acid sequence of the TYRP1 protein. This variant is present in population databases (rs377110547, gnomAD 0.006%). This variant has not been reported in the literature in individuals affected with TYRP1-related conditions. Algorithms developed to predict the effect of sequence changes on RNA splicing suggest that this variant may disrupt the consensus splice site. In summary, the available evidence is currently insufficient to determine the role of this variant in disease. Therefore, it has been classified as a Variant of Uncertain Significance.